The following is an entry in ClinVar:

ClinVar aggregate classification (germline): Uncertain significance. Review status: criteria provided, multiple submitters, no conflicts (2 of 4 stars). 3 submissions from 3 submitters: Uncertain significance (3). Last evaluated 2025-03-04.

Conditions:
Inborn genetic diseases. Identifiers: MedGen C0950123, MeSH D030342.

Allele frequency attached by ClinVar (database versions not stated): TOPMed below 0.00001; ExAC 0.00001; gnomAD 0.00001; gnomAD exomes 0.00002 and 0.00003; ESP Exome Variant Server 0.00008.
gnomAD v4.1: 39 of 1,614,124 alleles (0.0024%); highest among the groups gnomAD compares: Non-Finnish European, 0.0032%; no homozygotes.

Submissions (3):

GeneDx
Classification: Uncertain significance. Last evaluated: 2025-03-04. Review status: criteria provided, single submitter. Criteria: GeneDx Variant Classification Process June 2021. Collection method: clinical testing. Allele origin: germline.
Comment: In silico analysis indicates that this missense variant does not alter protein structure/function; Has not been previously published as pathogenic or benign to our knowledge

Ambry Genetics
Classification: Uncertain significance for Inborn genetic diseases. Last evaluated: 2025-01-27. Review status: criteria provided, single submitter. Criteria: Ambry Variant Classification Scheme 2023. Collection method: clinical testing. Allele origin: germline.

Labcorp Genetics (formerly Invitae), Labcorp
Classification: Uncertain significance. Last evaluated: 2023-12-07. Review status: criteria provided, single submitter. Criteria: Invitae Variant Classification Sherloc (09022015). Collection method: clinical testing. Allele origin: germline.
Comment: This sequence change replaces glycine, which is neutral and non-polar, with valine, which is neutral and non-polar, at codon 225 of the ANKH protein (p.Gly225Val). This variant is present in population databases (rs373383037, gnomAD 0.004%). This variant has not been reported in the literature in individuals affected with ANKH-related conditions. ClinVar contains an entry for this variant (Variation ID: 1460486). An algorithm developed to predict the effect of missense changes on protein structure and function (PolyPhen-2) suggests that this variant is likely to be disruptive. In summary, the available evidence is currently insufficient to determine the role of this variant in disease. Therefore, it has been classified as a Variant of Uncertain Significance.

NM_054027.6(ANKH):c.674G>T (p.Gly225Val)

Gene: ANKH (ANKH inorganic pyrophosphate transport regulator; minus strand). Cytogenetic location: 5p15.2.
Variant type: single nucleotide variant.
Coding change: c.674G>T on transcript NM_054027.6 (MANE Select); coding-DNA position 674, G replaced by T.
Protein change: p.Gly225Val; replaces glycine 225 with valine.
Molecular consequence: missense variant.
Genome position (GRCh38, 1-based): chr5:14,751,082, C>A on the plus strand (G>T on the coding strand, the complement: ANKH is on the minus strand). VCF-style: chr5-14751082-C-A. GRCh37 (hg19) VCF-style: chr5-14751191-C-A.
Other names: c.674G>T (NM_054027.4); short protein forms G225V.
Identifiers: ClinVar variation 1460486 (VCV001460486.9), dbSNP rs373383037, ClinGen allele CA3209061.